The following is an entry in ClinVar:

ClinVar aggregate classification (germline): Pathogenic. Review status: criteria provided, multiple submitters, no conflicts (2 of 4 stars). 30 submissions from 26 submitters: Pathogenic (24). 6 of the submissions do not count toward it. Last evaluated 2026-01-29.

Conditions:
Myasthenic syndrome, congenital, 1A, slow-channel. Also called: Congenital myasthenic syndrome 1A; CMS IIa; MYASTHENIC SYNDROME, CONGENITAL, TYPE IIa. Identifiers: MedGen C2931107, MONDO:0011088, OMIM 601462.
Congenital myasthenic syndrome 4A. Also called: Myasthenic syndrome, congenital, 4a, slow-channel; MYASTHENIC SYNDROME, CONGENITAL, 4A, SLOW-CHANNEL, AUTOSOMAL RECESSIVE; CONGENITAL MYASTHENIC SYNDROME TYPE Ia1. Identifiers: Orphanet 590, MedGen C4225413, MONDO:0011600, OMIM 605809.
CHRNE-related disorder. Also called: CHRNE-related condition.
Congenital myasthenic syndrome 4C (CMS4C). Also called: Myasthenic syndrome, congenital, associated with acetylcholine receptor deficiency. Identifiers: Orphanet 590, MedGen C1837091, MONDO:0012157, OMIM 608931.
Congenital myasthenic syndrome 4B. Also called: Myasthenic syndrome, congenital, 4b, fast-channel. Identifiers: Orphanet 590, MedGen C4225369, MONDO:0014586, OMIM 616324.
Congenital myasthenic syndrome (CMS). Also called: Congenital Myasthenic Syndromes. Identifiers: Orphanet 590, MedGen C0751882, MeSH D020294, MONDO:0018940.

Submissions 1 to 13 of 30:

Natera, Inc.
Classification: Pathogenic for Congenital myasthenic syndrome. Last evaluated: 2026-01-29. Review status: criteria provided, single submitter. Criteria: Natera Variant Classification Schema (03/2026). Collection method: clinical testing. Allele origin: germline.
Comment: The c.1327delG variant in CHRNE is a frameshift variant predicted to elongate the protein beyond the termination codon. This variant is expected to result in nonsense mediated decay, truncation, or a dysfunctional protein product. This variant is rare in the general population with a frequency below the threshold expected for the associated phenotype(s). This variant has been observed in one or more individuals affected with the associated recessive disease, as either homozygous or compound heterozygous with a second variant (PMID: 37721175). Given the available evidence, this variant is classified as Pathogenic.

Labcorp Genetics (formerly Invitae), Labcorp
Classification: Pathogenic for Congenital myasthenic syndrome 4A. Last evaluated: 2025-12-23. Review status: criteria provided, single submitter. Criteria: Invitae Variant Classification Sherloc (09022015). Collection method: clinical testing. Allele origin: germline.
Comment: This sequence change is expected to alter the c-terminus of the CHRNE protein (p.Glu443Lysfs*64). While this is not anticipated to result in nonsense mediated decay, it is expected to disrupt the last 51 amino acid(s) of the CHRNE protein and extend the protein by 12 additional amino acid residues. This variant is present in population databases (rs763258280, gnomAD 0.09%). This frameshift has been observed in individual(s) with autosomal recessive congenital myasthenic syndrome (PMID: 9668239, 10496269, 10514102, 10534268, 27634344). It is commonly reported in individuals of Roma ancestry (PMID: 15322984, 15367858). This variant is also known as c.1267delG. ClinVar contains an entry for this variant (Variation ID: 1322084, 243031). Algorithms developed to predict the effect of variants on gene product structure and function are not available or were not evaluated for this variant. Experimental studies have shown that this frameshift affects CHRNE function (PMID: 10514102). Algorithms developed to predict the effect of sequence changes on RNA splicing suggest that this variant may disrupt the consensus splice site. For these reasons, this variant has been classified as Pathogenic.

3billion
Classification: Pathogenic for Congenital myasthenic syndrome 4C. Last evaluated: 2025-05-27. Review status: criteria provided, single submitter. Criteria: ACMG Guidelines, 2015. Collection method: clinical testing. Allele origin: germline. Affected: yes.
Comment: The variant is observed at an extremely low frequency in the gnomAD v4.1.0 dataset (total allele frequency: 0.006%). Predicted Consequence/Location: Frameshift: predicted to result in a loss or disruption of normal protein function through protein truncation. The predicted truncated protein may be shortened by more than 10%. The variant has been reported at least twice as pathogenic with clinical assertions and evidence for the classification (ClinVar ID: VCV000243031 /PMID: 9668239 /3billion dataset). Therefore, this variant is classified as Pathogenic according to the recommendation of ACMG/AMP guideline.

Bioscientia Institut fuer Medizinische Diagnostik GmbH, Sonic Healthcare
Classification: Pathogenic for Congenital myasthenic syndrome 4C. Last evaluated: 2025-02-27. Review status: criteria provided, single submitter. Criteria: ACMG Guidelines, 2015. Collection method: clinical testing. Allele origin: germline. Affected: yes.

Blueprint Genetics
Classification: Pathogenic for CHRNE-related disorders. Last evaluated: 2024-10-30. Review status: criteria provided, single submitter. Criteria: ACMG Guidelines, 2015. Collection method: clinical testing. Allele origin: germline. Affected: yes. Observed: 5 variant alleles.

GeneDx
Classification: Pathogenic. Last evaluated: 2024-07-29. Review status: criteria provided, single submitter. Criteria: GeneDx Variant Classification Process June 2021. Collection method: clinical testing. Allele origin: germline. Affected: yes.
Comment: The c.1327delG variant is a common pathogenic variant in individuals of Roma background (PMID: 10534268); Frameshift variant in the C-terminus predicted to result in abnormal protein length, as the last 51 amino acids are lost and replaced with 63 incorrect amino acids; This variant is associated with the following publications: (PMID: 10514102, 10496269, 15367858, 36964972, 15322984, 9668239, 27634344, 28464723, 29056292, 29054425, 30369941, 31589614, 33193787, 34426522, 34008892, 32070632, 31407473, 35175423, 31069529, 10534268)

Fulgent Genetics
Classification: Pathogenic for Congenital myasthenic syndrome 4A; Congenital myasthenic syndrome 4C; Congenital myasthenic syndrome 4B. Last evaluated: 2024-06-06. Review status: criteria provided, single submitter. Criteria: ACMG Guidelines, 2015. Collection method: clinical testing. Allele origin: germline.

Baylor Genetics
Classification: Pathogenic for Congenital myasthenic syndrome 4A. Last evaluated: 2024-03-24. Review status: criteria provided, single submitter. Criteria: ACMG Guidelines, 2015. Collection method: clinical testing. Allele origin: unknown.

Institute of Medical Genetics and Applied Genomics, University Hospital Tübingen
Classification: Pathogenic for Congenital myasthenic syndrome 4A. Last evaluated: 2023-11-30. Review status: criteria provided, single submitter. Criteria: ACMG Guidelines, 2015. Collection method: clinical testing. Allele origin: germline. Inheritance: Autosomal recessive inheritance. Affected: yes.

Kariminejad - Najmabadi Pathology & Genetics Center
Classification: Pathogenic for Congenital myasthenic syndrome 4A. Last evaluated: 2023-10-18. Review status: criteria provided, single submitter. Criteria: ACMG Guidelines, 2015. Collection method: clinical testing. Allele origin: germline. Inheritance: Autosomal recessive inheritance. Affected: yes.
Comment: PVS1(Strong), PP5,PM2(Supporting),PS3(Supporting),PM3(Strong)

Neuberg Centre For Genomic Medicine, NCGM
Classification: Pathogenic for Congenital myasthenic syndrome 4B. Last evaluated: 2023-03-01. Review status: criteria provided, single submitter. Criteria: ACMG Guidelines, 2015. Collection method: clinical testing. Allele origin: germline. Inheritance: Autosomal recessive inheritance. Affected: yes.
Comment: The frame shift c.1327del (p.Glu443LysfsTer64) variant has been reported in homozygous and compound heterozygous state in individuals affected with affected with Congenital Myasthenic Syndrome (Parvizi Omran S et al. 2019; Durmus H et al. 2018). Experimental studies have shown that this frameshift affects CHRNE function (Croxen R et al. 1999). The p.Glu443LysfsTer64 variant has allele frequency 0.01% in gnomAD Exomes and is novel (not in any individuals) in 1000 Genomes. This variant has been reported to the ClinVar database as Pathogenic (multiple submiters). This variant causes a frameshift starting with codon Glutamic Acid 443, changes this amino acid to Lysine residue, and creates a premature Stop codon at position 64 of the new reading frame, denoted p.Glu443LysfsTer64. This variant is predicted to cause loss of normal protein function through protein truncation. Loss of function variants have been previously reported to be disease causing. For these reasons, this variant has been classified as Pathogenic.

Foundation for Research in Genetics and Endocrinology, FRIGE's Institute of Human Genetics
Classification: Pathogenic for Congenital myasthenic syndrome 4A. Last evaluated: 2022-02-07. Review status: criteria provided, single submitter. Criteria: ACMG Guidelines, 2015. Collection method: clinical testing. Allele origin: germline. Inheritance: Autosomal recessive inheritance. Affected: yes. Observed: 1 homozygote.
Comment: A homozygous single base pair deletion c.1267delG in exon 12 of the CHRNE gene that results in a frameshift and premature truncation of the protein 64 amino acids downstream to codon 443 (p.Glu443LysfsTer64) was detected. The observed variation (c.1267delG) has previously been reported in patients affected with congenital myasthenic syndrome and the variant has been classified as pathogenic by ClinVar database. This variant has not been reported in the 1000 genomes database and has a minor allele frequency of 0.15% in the gnomAD . The reference region is conserved across species.

Genetics and Genomic Medicine Centre, NeuroGen Healthcare, NeuroGen Healthcare
Classification: Pathogenic for Congenital myasthenic syndrome 4C. Last evaluated: 2020-11-28. Review status: criteria provided, single submitter. Criteria: Submitter's publication. Collection method: clinical testing. Allele origin: unknown. Affected: no.

NM_000080.4(CHRNE):c.1327del

Genes: C17orf107 (chromosome 17 open reading frame 107; plus strand), CHRNE (cholinergic receptor nicotinic epsilon subunit; minus strand), MINK1 (misshapen like kinase 1; plus strand). Cytogenetic location: 17p13.2.
Variant type: Deletion.
Coding change: c.1327del on transcript NM_000080.4 (MANE Select); coding-DNA position 1327, one base deleted (G; older notation c.1327delG).
Molecular consequence: splice acceptor variant.
Genome position (GRCh38, 1-based): chr17:4,898,891, C deleted on the plus strand (G on the coding strand, the reverse complement: CHRNE is on the minus strand); the first of 2 consecutive C bases (chr17:4,898,891-4,898,892); deleting either gives the same sequence. VCF-style (leftmost placement, unchanged base first): chr17-4898890-TC-T. GRCh37 (hg19) VCF-style: chr17-4802185-TC-T.
Other names: epsilon1267delG; e1267delG; c.1327delG (NM_000080.4).
Identifiers: ClinVar variation 243031 (VCV000243031.85), dbSNP rs763258280, ClinGen allele CA8313854.